The following is an entry in ClinVar:

ClinVar aggregate classification (germline): Benign/Likely benign. Review status: criteria provided, multiple submitters, no conflicts (2 of 4 stars). 2 submissions from 2 submitters: Benign (1); Likely benign (1). Last evaluated 2025-01-27.

Conditions:
Lynch syndrome 4 (LYNCH4). Also called: Colorectal cancer, hereditary nonpolyposis, type 4; Hereditary non-polyposis colorectal cancer, type 4. Identifiers: Orphanet 144, MedGen C1838333, MONDO:0013699, OMIM 614337. Disease mechanism: loss of function.

Submissions (2):

Myriad Genetics, Inc.
Classification: Benign for Lynch syndrome 4. Last evaluated: 2025-01-27. Review status: criteria provided, single submitter. Criteria: Myriad Autosomal Dominant, Autosomal Recessive and X-Linked Classification Criteria (2023). Collection method: clinical testing. Allele origin: unknown.
Comment: This variant is considered benign. This variant is a silent/synonymous amino acid change and it is not expected to impact splicing.

GeneDx
Classification: Likely benign. Last evaluated: 2017-09-29. Review status: criteria provided, single submitter. Criteria: GeneDx Variant Classification (06012015). Collection method: clinical testing. Allele origin: germline. Affected: yes.
Comment: This variant is considered likely benign or benign based on one or more of the following criteria: it is a conservative change, it occurs at a poorly conserved position in the protein, it is predicted to be benign by multiple in silico algorithms, and/or has population frequency not consistent with disease.

NM_000535.7(PMS2):c.672G>A (p.Lys224=)

Gene: PMS2 (PMS1 homolog 2, mismatch repair system component; minus strand). Cytogenetic location: 7p22.1.
Variant type: single nucleotide variant.
Coding change: c.672G>A on transcript NM_000535.7 (MANE Select); coding-DNA position 672, G replaced by A.
Protein change: p.Lys224=; no amino-acid change (lysine 224 retained).
Molecular consequence: synonymous variant. On other transcripts: 5 prime UTR variant (2), non-coding transcript variant (1), intron variant (1).
Genome position (GRCh38, 1-based): chr7:5,999,141, C>T on the plus strand (G>A on the coding strand, the complement: PMS2 is on the minus strand). VCF-style: chr7-5999141-C-T. GRCh37 (hg19) VCF-style: chr7-6038772-C-T.
Other names: c.267G>A, p.Lys89= (NM_001322003.2, NM_001322004.2, NM_001322005.2 and 2 more transcripts); c.672G>A, p.Lys224= (NM_001322006.2, NM_001322014.2); c.354G>A, p.Lys118= (NM_001322007.2, NM_001322008.2); c.-262G>A (NM_001322011.2, NM_001322012.2); c.363G>A, p.Lys121= (NM_001322015.2); c.133-1718G>A (NM_001322013.2).
Identifiers: ClinVar variation 512487 (VCV000512487.2), dbSNP rs748141595, ClinGen allele CA453646810.